The following is an entry in ClinVar:

ClinVar aggregate classification (germline): Uncertain significance. Review status: criteria provided, single submitter (1 of 4 stars). 2 submissions from 2 submitters: Uncertain significance (1). 1 of the submissions does not count toward it. Last evaluated 2023-10-13.

Conditions:
PKD1-related disorder. Also called: PKD1-related condition.
Polycystic kidney disease, adult type (PKD1). Also called: Polycystic Kidney, Autosomal Dominant; POLYCYSTIC KIDNEY DISEASE 1 WITH OR WITHOUT POLYCYSTIC LIVER DISEASE; Polycystic Kidney Disease 1, Autosomal Dominant; Polycystic kidney disease 1; Polycystic kidney disease 1, severe; POLYCYSTIC KIDNEY DISEASE, ADULT, TYPE I. Identifiers: MedGen C3149841, MONDO:0008263, OMIM 173900.

Allele frequency attached by ClinVar (database versions not stated): ExAC 0.00003.
gnomAD v4.1: 8 of 1,596,486 alleles (0.0005%); highest among the groups gnomAD compares: East Asian, 0.018%; no homozygotes.

Submissions (2):

Department of Pathology and Laboratory Medicine, Sinai Health System
Classification: Uncertain significance for Polycystic kidney disease, adult type. Last evaluated: 2023-10-13. Review status: criteria provided, single submitter. Criteria: ACMG Guidelines, 2015. Collection method: clinical testing. Allele origin: germline. Affected: yes.

PreventionGenetics, part of Exact Sciences
Classification: Uncertain significance for PKD1-related condition. Last evaluated: 2024-02-08. Review status: no assertion criteria provided. Collection method: clinical testing. Allele origin: germline. Not counted in ClinVar's aggregate classification.
Comment: The PKD1 c.7829A>C variant is predicted to result in the amino acid substitution p.Glu2610Ala. To our knowledge, this variant has not been reported in the literature. This variant is reported in 0.061% of alleles in individuals of East Asian descent in gnomAD. At this time, the clinical significance of this variant is uncertain due to the absence of conclusive functional and genetic evidence.

NM_001009944.3(PKD1):c.7829A>C (p.Glu2610Ala)

Gene: PKD1 (polycystin 1, transient receptor potential channel interacting; minus strand). Cytogenetic location: 16p13.3.
Variant type: single nucleotide variant.
Coding change: c.7829A>C on transcript NM_001009944.3 (MANE Select); coding-DNA position 7829, A replaced by C.
Protein change: p.Glu2610Ala; replaces glutamic acid 2610 with alanine.
Molecular consequence: missense variant.
Genome position (GRCh38, 1-based): chr16:2,105,899, T>G on the plus strand (A>C on the coding strand, the complement: PKD1 is on the minus strand). VCF-style: chr16-2105899-T-G. GRCh37 (hg19) VCF-style: chr16-2155900-T-G.
Other names: c.7829A>C, p.Glu2610Ala (NM_000296.4); short protein forms E2610A.
Identifiers: ClinVar variation 3051163 (VCV003051163.3), dbSNP rs768882400, ClinGen allele CA7830892.